The following is an entry in ClinVar:

NR_033294.2(SNORD118):n.69T>G

Genes: SNORD118 (small nucleolar RNA, C/D box 118; minus strand), TMEM107 (transmembrane protein 107; minus strand). Cytogenetic location: 17p13.1.
Variant type: single nucleotide variant.
Molecular consequence: non-coding transcript variant (on NR_033294.2). On other transcripts: 3 prime UTR variant (5).
Genome position: GRCh38 VCF-style: chr17-8173520-A-C. GRCh37 (hg19) VCF-style: chr17-8076838-A-C.
Other names: c.*683T>G (NM_001351278.2, NM_001351279.2, NM_001351280.2 and 2 more transcripts).
Identifiers: ClinVar variation 1927065 (VCV001927065.5), dbSNP rs769050708, ClinGen allele CA8370689.

ClinVar aggregate classification (germline): Uncertain significance (1 of 4 stars; one submission).

gnomAD v4.1: 18 of 765,298 alleles (0.0024%); highest among the groups gnomAD compares: East Asian, 0.0048%; 1 homozygote.

Submission:

Labcorp Genetics (formerly Invitae), Labcorp
Classification: Uncertain significance. Last evaluated: 2025-02-24. Review status: criteria provided, single submitter. Criteria: Invitae Variant Classification Sherloc (09022015). Collection method: clinical testing. Allele origin: germline.
Comment: This variant occurs in the SNORD118 gene, which encodes an RNA molecule that does not result in a protein product. This variant is present in population databases (rs769050708, gnomAD 0.003%). This variant has not been reported in the literature in individuals affected with SNORD118-related conditions. ClinVar contains an entry for this variant (Variation ID: 1927065). Experimental studies and prediction algorithms are not available or were not evaluated, and the functional significance of this variant is currently unknown. In summary, the available evidence is currently insufficient to determine the role of this variant in disease. Therefore, it has been classified as a Variant of Uncertain Significance.